The following is an entry in ClinVar:

GRCh37/hg19 4p16.3-16.1(chr4:68346-7171784)x3

Genes: ADD1 (adducin 1; plus strand), ADRA2C (adrenoceptor alpha 2C; plus strand), ASPNAT (aspartate N-acetyltransferase; plus strand), ATP5ME (ATP synthase membrane subunit e; minus strand), BLOC1S4 (biogenesis of lysosomal organelles complex 1 subunit 4; plus strand) and 76 more. Cytogenetic location: 4p16.3-16.1.
Variant type: copy number gain.
Change: copy number 3 (three copies instead of two) of chr4:68,346-7,171,784 (7.10 Mb, GRCh37 coordinates, 1-based), cytogenetic band 4p16.3-16.1.
Identifiers: ClinVar variation 2685952 (VCV002685952.1).

ClinVar aggregate classification (germline): Pathogenic (1 of 4 stars; one submission).

Submission:

Quest Diagnostics Nichols Institute San Juan Capistrano
Classification: Pathogenic. Last evaluated: 2022-07-22. Review status: criteria provided, single submitter. Criteria: ACMG/ClinGen CNV Guidelines, 2019. Collection method: clinical testing. Allele origin: unknown.
Comment: The terminal gain of 4p involves many genes and contains the critical region for Wolf-Hirschhorn syndrome (OMIM 194190). Gains of this segment have been reported to cause a spectrum of neurodevelopmental phenotypes as well as macrocephaly, tall stature, and dysmorphic facial features, with or without seizures (Carmany et al., Am J Med Genet A. 2011 Apr;155A(4):819-24. PMID: 21412978; Schonewolf-Greulich et al., Am J Med Genet A. 2013 Sep;161A(9):2358-62. PMID: 23894085).